The following is an entry in ClinVar:

ClinVar aggregate classification (germline): Uncertain significance (1 of 4 stars; one submission).

Submission:

GeneDx
Classification: Uncertain significance. Last evaluated: 2025-06-20. Review status: criteria provided, single submitter. Criteria: GeneDx Variant Classification Process June 2021. Collection method: clinical testing. Allele origin: germline. Affected: yes.
Comment: Not observed at significant frequency in large population cohorts (gnomAD); Missense variant in a gene in which most reported pathogenic variants are truncating/loss of function; Has not been previously published as pathogenic or benign to our knowledge

NM_001267550.2(TTN):c.36658C>G (p.Pro12220Ala)

Gene: TTN (titin; minus strand). Cytogenetic location: 2q31.2.
Variant type: single nucleotide variant.
Coding change: c.36658C>G on transcript NM_001267550.2 (MANE Select); coding-DNA position 36658, C replaced by G.
Protein change: p.Pro12220Ala; replaces proline 12220 with alanine.
Molecular consequence: missense variant. On other transcripts: intron variant (5).
Genome position (GRCh38, 1-based): chr2:178,663,308, G>C on the plus strand (C>G on the coding strand, the complement: TTN is on the minus strand). VCF-style: chr2-178663308-G-C. GRCh37 (hg19) VCF-style: chr2-179528035-G-C.
Other names: c.13859-20991C>G (NM_133437.4); c.13658-20991C>G (NM_133432.3); c.31484-253C>G (NM_133378.4); c.34265-253C>G (NM_001256850.1); c.13283-20991C>G (NM_003319.4); short protein forms P12220A.
Identifiers: ClinVar variation 4538592 (VCV004538592.1).
Genomic context (GRCh38, chr2:178,663,308, plus strand): 5'-GTATAGCTTTGGCATTACCTTCAGGGGGAGGACTTTCCGGTTTGGGAGGAATAGCTTCAG[G>C]CAACTTCTTTTCTGGGACAGCTGCCTTTGGCACCTCTGGGACTTTAAAGATATTAGTATT-3'
Protein context (NP_001254479.2, residues 12210-12230): PKAAVPEKKL[Pro12220Ala]EAIPPKPESP